The following is an entry in ClinVar:

NM_206933.4(USH2A):c.626A>C (p.Lys209Thr)

Gene: USH2A (usherin; minus strand). Cytogenetic location: 1q41.
Variant type: single nucleotide variant.
Coding change: c.626A>C on transcript NM_206933.4 (MANE Select); coding-DNA position 626, A replaced by C.
Protein change: p.Lys209Thr; replaces lysine 209 with threonine.
Molecular consequence: missense variant.
Genome position (GRCh38, 1-based): chr1:216,418,539, T>G on the plus strand (A>C on the coding strand, the complement: USH2A is on the minus strand). VCF-style: chr1-216418539-T-G. GRCh37 (hg19) VCF-style: chr1-216591881-T-G.
Other names: c.626A>C, p.Lys209Thr (NM_007123.6); short protein forms K209T.
Identifiers: ClinVar variation 1497488 (VCV001497488.6), dbSNP rs751814860, ClinGen allele CA1396742.
Genomic context (GRCh38, chr1:216,418,539, plus strand): 5'-TTAACCAAATGTTAAATATTTTTTATTTTACTCACCTGCACACTAAGATGAATCCATTTC[T>G]TCACAAGAATTCTCCCCAGTGTCATTACTTTTATTGGAGGTTGCAAACCATTTACTGTGC-3'
Protein context (NP_996816.3, residues 199-219): KVMTLGRILV[Lys209Thr]KWIHLSVQVH

ClinVar aggregate classification (germline): Uncertain significance. Review status: criteria provided, multiple submitters, no conflicts (2 of 4 stars). 2 submissions from 2 submitters: Uncertain significance (2). Last evaluated 2022-10-14.

Allele frequency attached by ClinVar (database versions not stated): gnomAD exomes below 0.00001 and 0.00001; gnomAD 0.00001; TOPMed 0.00001; ExAC 0.00002.
gnomAD v4.1: 5 of 1,613,144 alleles (0.00031%); highest among the groups gnomAD compares: East Asian, 0.0067%; no homozygotes.

Submissions (2):

Blueprint Genetics
Classification: Uncertain significance. Last evaluated: 2022-10-14. Review status: criteria provided, single submitter. Criteria: ACMG Guidelines, 2015. Collection method: clinical testing. Allele origin: germline.

Labcorp Genetics (formerly Invitae), Labcorp
Classification: Uncertain significance. Last evaluated: 2022-08-16. Review status: criteria provided, single submitter. Criteria: Invitae Variant Classification Sherloc (09022015). Collection method: clinical testing. Allele origin: germline.
Comment: This sequence change replaces lysine, which is basic and polar, with threonine, which is neutral and polar, at codon 209 of the USH2A protein (p.Lys209Thr). This variant is present in population databases (rs751814860, gnomAD 0.01%). This variant has not been reported in the literature in individuals affected with USH2A-related conditions. ClinVar contains an entry for this variant (Variation ID: 1497488). Algorithms developed to predict the effect of missense changes on protein structure and function are either unavailable or do not agree on the potential impact of this missense change (SIFT: "Deleterious"; PolyPhen-2: "Possibly Damaging"; Align-GVGD: "Class C0"). In summary, the available evidence is currently insufficient to determine the role of this variant in disease. Therefore, it has been classified as a Variant of Uncertain Significance.